The following is an entry in ClinVar:

ClinVar aggregate classification (germline): Uncertain significance (1 of 4 stars; one submission).

Submission:

Labcorp Genetics (formerly Invitae), Labcorp
Classification: Uncertain significance. Last evaluated: 2022-04-07. Review status: criteria provided, single submitter. Criteria: Invitae Variant Classification Sherloc (09022015). Collection method: clinical testing. Allele origin: germline.
Comment: This variant has not been reported in the literature in individuals affected with CAMK2B-related conditions. In summary, the available evidence is currently insufficient to determine the role of this variant in disease. Therefore, it has been classified as a Variant of Uncertain Significance. This variant is a gross deletion of the genomic region encompassing exon(s) 1-4 of the CAMK2B gene, which includes the initiator codon. This deletion extends beyond the assayed region for this gene and therefore may encompass additional genes. It is expected to result in an absent or disrupted protein product. However, the current clinical and genetic evidence is not sufficient to establish whether loss-of-function variants in CAMK2B cause disease.

NC_000007.13:g.(?_44298451)_(44365020_?)del

Gene: CAMK2B (calcium/calmodulin dependent protein kinase II beta; minus strand). Cytogenetic location: 7p13.
Variant type: Deletion.
Identifiers: ClinVar variation 2423979 (VCV002423979.4).